The following is an entry in ClinVar:

ClinVar aggregate classification (germline): Uncertain significance (1 of 4 stars; one submission).

Conditions:
Short-rib thoracic dysplasia 11 with or without polydactyly (SRTD11). Also called: SHORT-RIB THORACIC DYSPLASIA 11 WITHOUT POLYDACTYLY. Identifiers: Orphanet 474, Orphanet 93271, MedGen C3810200, MONDO:0014287, OMIM 615633.

Allele frequency attached by ClinVar (database versions not stated): TOPMed below 0.00001.

Submission:

Labcorp Genetics (formerly Invitae), Labcorp
Classification: Uncertain significance for Short-rib thoracic dysplasia 11 with or without polydactyly. Last evaluated: 2021-10-11. Review status: criteria provided, single submitter. Criteria: Invitae Variant Classification Sherloc (09022015). Collection method: clinical testing. Allele origin: germline.
Comment: In summary, the available evidence is currently insufficient to determine the role of this variant in disease. Therefore, it has been classified as a Variant of Uncertain Significance. Algorithms developed to predict the effect of missense changes on protein structure and function are either unavailable or do not agree on the potential impact of this missense change (SIFT: "Deleterious"; PolyPhen-2: "Benign"; Align-GVGD: "Class C15"). This variant has not been reported in the literature in individuals affected with WDR34-related conditions. This variant is not present in population databases (ExAC no frequency). This sequence change replaces glycine with valine at codon 304 of the WDR34 protein (p.Gly304Val). The glycine residue is highly conserved and there is a moderate physicochemical difference between glycine and valine.

NM_052844.4(DYNC2I2):c.911G>T (p.Gly304Val)

Genes: DYNC2I2 (dynein 2 intermediate chain 2; minus strand), LOC126860772 (CDK7 strongly-dependent group 2 enhancer GRCh37_chr9:131396972-131398171; plus strand). Cytogenetic location: 9q34.11.
Variant type: single nucleotide variant.
Coding change: c.911G>T on transcript NM_052844.4 (MANE Select); coding-DNA position 911, G replaced by T.
Protein change: p.Gly304Val; replaces glycine 304 with valine.
Molecular consequence: missense variant.
Genome position (GRCh38, 1-based): chr9:128,635,162, C>A on the plus strand (G>T on the coding strand, the complement: DYNC2I2 is on the minus strand). VCF-style: chr9-128635162-C-A. GRCh37 (hg19) VCF-style: chr9-131397441-C-A.
Other names: short protein forms G304V.
Identifiers: ClinVar variation 1681218 (VCV001681218.6), dbSNP rs1233100011, ClinGen allele CA375115426.